The following is an entry in ClinVar:

NM_001377.3(DYNC2H1):c.9475G>T (p.Glu3159Ter)

Gene: DYNC2H1 (dynein cytoplasmic 2 heavy chain 1; plus strand). Cytogenetic location: 11q22.3.
Variant type: single nucleotide variant.
Coding change: c.9475G>T on transcript NM_001377.3 (MANE Select); coding-DNA position 9475, G replaced by T.
Protein change: p.Glu3159Ter; replaces glutamic acid 3159 with a stop codon.
Molecular consequence: nonsense.
Genome position (GRCh38, 1-based): chr11:103,234,068, G>T. VCF-style: chr11-103234068-G-T. GRCh37 (hg19) VCF-style: chr11-103104797-G-T.
Other names: c.9475G>T, p.Glu3159Ter (NM_001080463.2); short protein forms E3159*.
Identifiers: ClinVar variation 5016078 (VCV005016078.1).

ClinVar aggregate classification (germline): Pathogenic (1 of 4 stars; one submission).

Conditions:
Asphyxiating thoracic dystrophy 3. Also called: SHORT-RIB THORACIC DYSPLASIA 3 WITH OR WITHOUT POLYDACTYLY; POLYDACTYLY WITH NEONATAL CHONDRODYSTROPHY, TYPE I; SHORT-RIB THORACIC DYSPLASIA 3/6 WITH POLYDACTYLY, DIGENIC; Short rib polydactyly syndrome 2B; Saldino-Noonan Syndrome. Identifiers: Orphanet 474, Orphanet 93269, Orphanet 93270, Orphanet 93271, MedGen C0036069, MONDO:0013127, OMIM 613091.

Submission:

Myriad Genetics, Inc.
Classification: Pathogenic for Asphyxiating thoracic dystrophy 3. Last evaluated: 2026-06-26. Review status: criteria provided, single submitter. Criteria: Myriad Autosomal Dominant, Autosomal Recessive and X-Linked Classification Criteria (2023). Collection method: clinical testing. Allele origin: unknown.
Comment: NM_001377.2(DYNC2H1):c.9475G>T(E3159*) is expected to be pathogenic in the context of DYNC2H1-related disorders. This variant is predicted to lead to an abnormal or absent protein product due to the creation of a premature termination codon in DYNC2H1, a gene where loss-of-function variants are known to be pathogenic. Please note: this variant was assessed in the context of healthy population screening.